The following is an entry in ClinVar:

ClinVar aggregate classification (germline): Uncertain significance (1 of 4 stars; one submission).

Conditions:
Trichorhinophalangeal syndrome, type III (TRPS3). Also called: SUGIO-KAJII SYNDROME. Identifiers: Orphanet 77258, MedGen C1860823, OMIM 190351, MONDO:0008597.
Trichorhinophalangeal dysplasia type I (TRPS1). Also called: TRPS I; TRICHORHINOPHALANGEAL SYNDROME, TYPE I. Identifiers: Orphanet 77258, MedGen C0432233, MONDO:0008596, OMIM 190350.

gnomAD v4.1: 15 of 1,614,096 alleles (0.00093%); highest among the groups gnomAD compares: Non-Finnish European, 0.0013%; no homozygotes.

Submission:

Labcorp Genetics (formerly Invitae), Labcorp
Classification: Uncertain significance for Trichorhinophalangeal syndrome, type III; Trichorhinophalangeal dysplasia type I. Last evaluated: 2025-08-04. Review status: criteria provided, single submitter. Criteria: Invitae Variant Classification Sherloc (09022015). Collection method: clinical testing. Allele origin: germline.
Comment: This sequence change replaces glutamic acid, which is acidic and polar, with aspartic acid, which is acidic and polar, at codon 145 of the TRPS1 protein (p.Glu145Asp). This variant is not present in population databases (gnomAD no frequency). This variant has not been reported in the literature in individuals affected with TRPS1-related conditions. Invitae Evidence Modeling of protein sequence and biophysical properties (such as structural, functional, and spatial information, amino acid conservation, physicochemical variation, residue mobility, and thermodynamic stability) indicates that this missense variant is not expected to disrupt TRPS1 protein function with a negative predictive value of 80%. In summary, the available evidence is currently insufficient to determine the role of this variant in disease. Therefore, it has been classified as a Variant of Uncertain Significance.

NM_014112.5(TRPS1):c.435G>C (p.Glu145Asp)

Gene: TRPS1 (transcriptional repressor GATA binding 1; minus strand). Cytogenetic location: 8q23.3.
Variant type: single nucleotide variant.
Coding change: c.435G>C on transcript NM_014112.5 (MANE Select); coding-DNA position 435, G replaced by C.
Protein change: p.Glu145Asp; replaces glutamic acid 145 with aspartic acid.
Molecular consequence: missense variant.
Genome position (GRCh38, 1-based): chr8:115,619,663, C>G on the plus strand (G>C on the coding strand, the complement: TRPS1 is on the minus strand). VCF-style: chr8-115619663-C-G. GRCh37 (hg19) VCF-style: chr8-116631890-C-G.
Other names: c.408G>C, p.Glu136Asp (NM_001282902.3); c.414G>C, p.Glu138Asp (NM_001282903.3); c.396G>C, p.Glu132Asp (NM_001330599.2); short protein forms E136D, E138D, E132D, E145D.
Identifiers: ClinVar variation 4794079 (VCV004794079.1).